The following is an entry in ClinVar:

ClinVar aggregate classification (germline): Uncertain significance (1 of 4 stars; one submission).

Conditions:
PFKL-related disorder. Also called: PFKL-related condition.

Submission:

PreventionGenetics, part of Exact Sciences
Classification: Uncertain significance for PFKL-related condition. Last evaluated: 2025-03-28. Review status: criteria provided, single submitter. Criteria: ACMG Guidelines, 2015. Collection method: clinical testing. Allele origin: germline.
Comment: The PFKL c.2428G>A variant is predicted to result in the amino acid substitution p.Ala810Thr. To our knowledge, this variant has not been reported in the literature. This variant is reported in 0.0068% of alleles in individuals of South Asian descent in gnomAD. At this time, the clinical significance of this variant is uncertain due to the absence of conclusive functional and genetic evidence.

NM_002626.6(PFKL):c.2278G>A (p.Ala760Thr)

Gene: PFKL (phosphofructokinase, liver type; plus strand). Cytogenetic location: 21q22.3.
Variant type: single nucleotide variant.
Coding change: c.2278G>A on transcript NM_002626.6 (MANE Select); coding-DNA position 2278, G replaced by A.
Protein change: p.Ala760Thr; replaces alanine 760 with threonine.
Molecular consequence: missense variant.
Genome position (GRCh38, 1-based): chr21:44,326,797, G>A. VCF-style: chr21-44326797-G-A. GRCh37 (hg19) VCF-style: chr21-45746680-G-A.
Other names: c.2428G>A, p.Ala810Thr (NM_001002021.3); short protein forms A810T, A760T.
Identifiers: ClinVar variation 4998724 (VCV004998724.1).